The following is an entry in ClinVar:

ClinVar aggregate classification (germline): Likely benign. Review status: criteria provided, multiple submitters, no conflicts (2 of 4 stars). 2 submissions from 2 submitters: Likely benign (2). Last evaluated 2022-08-01.

Allele frequency attached by ClinVar (database versions not stated): gnomAD 0.00007 and 0.00009; gnomAD exomes 0.00007 and 0.00014; TOPMed 0.00014; ESP Exome Variant Server 0.00015; 1000 Genomes Project 30x 0.00016; ExAC 0.00016; 1000 Genomes Project 0.00020.
gnomAD v4.1: 125 of 1,614,156 alleles (0.0077%); highest among the groups gnomAD compares: Admixed American, 0.02%; no homozygotes.

Submissions (2):

CeGaT Center for Human Genetics Tuebingen
Classification: Likely benign. Last evaluated: 2022-08-01. Review status: criteria provided, single submitter. Criteria: CeGaT Center For Human Genetics Tuebingen Variant Classification Criteria Version 2. Collection method: clinical testing. Allele origin: germline. Affected: yes. Observed: 1 variant allele.
Comment: DAB2IP: BP4, BP7

Labcorp Genetics (formerly Invitae), Labcorp
Classification: Likely benign. Last evaluated: 2018-02-02. Review status: criteria provided, single submitter. Criteria: Invitae Variant Classification Sherloc (09022015). Collection method: clinical testing. Allele origin: germline.

NM_001395010.1(DAB2IP):c.378G>A (p.Pro126=)

Gene: DAB2IP (DAB2 interacting protein; plus strand). Cytogenetic location: 9q33.2.
Variant type: single nucleotide variant.
Coding change: c.378G>A on transcript NM_001395010.1 (MANE Select); coding-DNA position 378, G replaced by A.
Protein change: p.Pro126=; no amino-acid change (proline 126 retained).
Molecular consequence: synonymous variant.
Genome position (GRCh38, 1-based): chr9:121,757,028, G>A. VCF-style: chr9-121757028-G-A. GRCh37 (hg19) VCF-style: chr9-124519307-G-A.
Other names: c.294G>A, p.Pro98= (NM_032552.4); c.6G>A, p.Pro2= (NM_138709.2).
Identifiers: ClinVar variation 735147 (VCV000735147.28), dbSNP rs200818458, ClinGen allele CA5222042.
Genomic context (GRCh38, chr9:121,757,028, plus strand): 5'-ACCCGGGCTGTGGGGGCCCACCTGACACACCTACTGCCACCCCAGGTCCCATCTGATGCC[G>A]AGGCTGAAGGAGTCTCGCTCCCACGAGTCCCTGCTCAGCCCCAGCAGTGCGGTGGAGGCG-3'
Protein context (NP_001381939.1, residues 116-136): AADNERSHLM[Pro126=]RLKESRSHES